The following is an entry in ClinVar:

NM_001330700.2(TOP2B):c.658A>G (p.Met220Val)

Gene: TOP2B (DNA topoisomerase II beta; minus strand). Cytogenetic location: 3p24.2.
Variant type: single nucleotide variant.
Coding change: c.658A>G on transcript NM_001330700.2 (MANE Select); coding-DNA position 658, A replaced by G.
Protein change: p.Met220Val; replaces methionine 220 with valine.
Molecular consequence: missense variant.
Genome position (GRCh38, 1-based): chr3:25,636,130, T>C on the plus strand (A>G on the coding strand, the complement: TOP2B is on the minus strand). VCF-style: chr3-25636130-T-C. GRCh37 (hg19) VCF-style: chr3-25677621-T-C.
Other names: c.643A>G, p.Met215Val (NM_001068.3); short protein forms M215V, M220V.
Identifiers: ClinVar variation 4724789 (VCV004724789.1).

ClinVar aggregate classification (germline): Uncertain significance (1 of 4 stars; one submission).

Submission:

Labcorp Genetics (formerly Invitae), Labcorp
Classification: Uncertain significance. Last evaluated: 2025-08-08. Review status: criteria provided, single submitter. Criteria: Invitae Variant Classification Sherloc (09022015). Collection method: clinical testing. Allele origin: germline.
Comment: This sequence change replaces methionine, which is neutral and non-polar, with valine, which is neutral and non-polar, at codon 215 of the TOP2B protein (p.Met215Val). This variant is not present in population databases (gnomAD no frequency). This variant has not been reported in the literature in individuals affected with TOP2B-related conditions. An algorithm developed to predict the effect of missense changes on protein structure and function (PolyPhen-2) suggests that this variant is likely to be tolerated. In summary, the available evidence is currently insufficient to determine the role of this variant in disease. Therefore, it has been classified as a Variant of Uncertain Significance.